The following is an entry in ClinVar:

ClinVar aggregate classification (germline): Pathogenic/Likely pathogenic. Review status: criteria provided, multiple submitters, no conflicts (2 of 4 stars). 7 submissions from 7 submitters: Pathogenic (2); Likely pathogenic (4). 1 of the submissions does not count toward it. Last evaluated 2025-09-18.

Conditions:
Skeletal dysplasia. Also called: Primary bone dysplasia. Identifiers: Orphanet 364526, MedGen C0410528, MONDO:0018230, HP:0002652.
Mucopolysaccharidosis, MPS-IV-A (MPS4A). Also called: MORQUIO SYNDROME A; Mucopolysaccharidosis Type IVA; Morquio syndrome A, mild; GALACTOSAMINE-6-SULFATASE DEFICIENCY; GALNS DEFICIENCY; MORQUIO A DISEASE. Identifiers: Orphanet 309297, Orphanet 582, MedGen C0086651, MONDO:0009659, OMIM 253000.

Allele frequency attached by ClinVar (database versions not stated): TOPMed 0.00018.

Submissions (7):

Labcorp Genetics (formerly Invitae), Labcorp
Classification: Pathogenic for Mucopolysaccharidosis, MPS-IV-A. Last evaluated: 2025-09-18. Review status: criteria provided, single submitter. Criteria: Invitae Variant Classification Sherloc (09022015). Collection method: clinical testing. Allele origin: germline.
Comment: This sequence change replaces asparagine, which is neutral and polar, with serine, which is neutral and polar, at codon 204 of the GALNS protein (p.Asn204Ser). This variant is present in population databases (rs569725936, gnomAD 0.005%). This missense change has been observed in individual(s) with mucopolysaccharidosis IVA (PMID: 33256811). It has also been observed to segregate with disease in related individuals. ClinVar contains an entry for this variant (Variation ID: 384194). Invitae Evidence Modeling of protein sequence and biophysical properties (such as structural, functional, and spatial information, amino acid conservation, physicochemical variation, residue mobility, and thermodynamic stability) indicates that this missense variant is expected to disrupt GALNS protein function with a positive predictive value of 95%. This variant disrupts the p.Asn204 amino acid residue in GALNS. Other variant(s) that disrupt this residue have been determined to be pathogenic (PMID: 1522213, 25252036). This suggests that this residue is clinically significant, and that variants that disrupt this residue are likely to be disease-causing. For these reasons, this variant has been classified as Pathogenic.

Fulgent Genetics
Classification: Likely pathogenic for Mucopolysaccharidosis, MPS-IV-A. Last evaluated: 2024-03-19. Review status: criteria provided, single submitter. Criteria: ACMG Guidelines, 2015. Collection method: clinical testing. Allele origin: germline.

Huiwen Zhang's lab, Shanghai Jiao Tong University School of Medicine, Xinhua Hospital
Classification: Likely pathogenic for Mucopolysaccharidosis, MPS-IV-A. Last evaluated: 2024-01-01. Review status: criteria provided, single submitter. Criteria: ACMG Guidelines, 2015. Collection method: clinical testing. Allele origin: germline. Affected: yes.

Mendelics
Classification: Pathogenic for Mucopolysaccharidosis, MPS-IV-A. Last evaluated: 2022-05-04. Review status: criteria provided, single submitter. Criteria: Mendelics Assertion Criteria 2019. Collection method: clinical testing. Allele origin: germline.

Genetics and Molecular Pathology, SA Pathology
Classification: Likely pathogenic for Skeletal dysplasia. Last evaluated: 2021-10-21. Review status: criteria provided, single submitter. Criteria: ACMG Guidelines, 2015. Collection method: clinical testing. Allele origin: germline. Affected: yes.

Juno Genomics, Hangzhou Juno Genomics, Inc
Classification: Likely pathogenic for Mucopolysaccharidosis, MPS-IV-A. Review status: criteria provided, single submitter. Criteria: ACMG Guidelines, 2015. Collection method: clinical testing. Allele origin: germline. Affected: yes.
Comment: Absent from controls (or at extremely low frequency if recessive) in Genome Aggregation Database, Exome Sequencing Project, 1000 Genomes Project, or Exome Aggregation Consortium.;For recessive disorders, detected in trans with a pathogenic variant.;Co-segregation with disease in multiple affected family members in a gene definitively known to cause the disease.;Patient's phenotype or family history is highly specific for a disease with a single genetic etiology.

GeneDx
Classification: Uncertain significance. Last evaluated: 2024-08-20. Review status: flagged submission. Criteria: GeneDx Variant Classification Process June 2021. Collection method: clinical testing. Allele origin: germline. Affected: yes. Not counted in ClinVar's aggregate classification.
Comment: Reported in two unrelated families in the published literature with GALNS-related mucopolysaccharidosis type 4 (PMID: 33256811, 38831290); In silico analysis supports that this missense variant has a deleterious effect on protein structure/function; Not observed at significant frequency in large population cohorts (gnomAD); This variant is associated with the following publications: (PMID: 33256811, 38831290, 25252036, 1522213)
ClinVar note: Reason: Outlier claim with insufficient supporting evidence

Literature cited by the submitters: PubMed 33256811 (cited by Labcorp Genetics (formerly Invitae), Labcorp); PubMed 1522213 (cited by Labcorp Genetics (formerly Invitae), Labcorp); PubMed 25252036 (cited by Labcorp Genetics (formerly Invitae), Labcorp).

NM_000512.5(GALNS):c.611A>G (p.Asn204Ser)

Gene: GALNS (galactosamine (N-acetyl)-6-sulfatase; minus strand). Cytogenetic location: 16q24.3.
Variant type: single nucleotide variant.
Coding change: c.611A>G on transcript NM_000512.5 (MANE Select); coding-DNA position 611, A replaced by G.
Protein change: p.Asn204Ser; replaces asparagine 204 with serine.
Molecular consequence: missense variant.
Genome position (GRCh38, 1-based): chr16:88,836,223, T>C on the plus strand (A>G on the coding strand, the complement: GALNS is on the minus strand). VCF-style: chr16-88836223-T-C. GRCh37 (hg19) VCF-style: chr16-88902631-T-C.
Other names: c.56A>G, p.Asn19Ser (NM_001323543.2); c.629A>G, p.Asn210Ser (NM_001323544.2); short protein forms N204S, N19S, N210S.
Identifiers: ClinVar variation 384194 (VCV000384194.16), dbSNP rs569725936, ClinGen allele CA8235078.
Genomic context (GRCh38, chr16:88,836,223, plus strand): 5'-TGCGTCCCACAGGGCGAGGATGGTGCGGTCCCCATCACCTGCAGGTAGATCTGGGTGAGG[T>C]TGGCTTCCCCCGTCTTCAGATTAATAGGAAATTCTTCATAATATCTGAAAAGAACACAGA-3'
Protein context (NP_000503.1, residues 194-214): FPINLKTGEA[Asn204Ser]LTQIYLQEAL